The following is an entry in ClinVar:

NM_000368.5(TSC1):c.344C>A (p.Ser115Tyr)

Gene: TSC1 (TSC complex subunit 1; minus strand). Cytogenetic location: 9q34.13.
Variant type: single nucleotide variant.
Coding change: c.344C>A on transcript NM_000368.5 (MANE Select); coding-DNA position 344, C replaced by A.
Protein change: p.Ser115Tyr; replaces serine 115 with tyrosine.
Molecular consequence: missense variant. On other transcripts: 5 prime UTR variant (18), non-coding transcript variant (5), intron variant (5).
Genome position (GRCh38, 1-based): chr9:132,925,606, G>T on the plus strand (C>A on the coding strand, the complement: TSC1 is on the minus strand). VCF-style: chr9-132925606-G-T. GRCh37 (hg19) VCF-style: chr9-135800993-G-T.
Other names: c.344C>A, p.Ser115Tyr (NM_001406596.1, NM_001406597.1, NM_001406598.1 and 16 more transcripts); c.-20C>A (NM_001362177.2, NM_001406617.1, NM_001406618.1 and 5 more transcripts); c.-112C>A (NM_001406614.1, NM_001406616.1, NM_001406624.1); c.-145C>A (NM_001406615.1, NM_001406623.1); c.-534C>A (NM_001406626.1, NM_001406627.1, NM_001406628.1); c.-676C>A (NM_001406629.1); c.-750C>A (NM_001406630.1); c.210+1595C>A (NM_001406613.1, NM_001406612.1, NM_001406610.1 and 2 more transcripts); short protein forms S115Y.
Identifiers: ClinVar variation 2562879 (VCV002562879.2), dbSNP rs2132230437, ClinGen allele CA375374355.

ClinVar aggregate classification (germline): Uncertain significance (1 of 4 stars; one submission).

Conditions:
Hereditary cancer-predisposing syndrome. Also called: Neoplastic Syndromes, Hereditary; Hereditary Cancer Syndrome; Hereditary neoplastic syndrome; Tumor predisposition. Identifiers: Orphanet 140162, MedGen C0027672, MeSH D009386, MONDO:0015356.

Submission:

Ambry Genetics
Classification: Uncertain significance for Hereditary cancer-predisposing syndrome. Last evaluated: 2023-04-18. Review status: criteria provided, single submitter. Criteria: Ambry Variant Classification Scheme 2023. Collection method: clinical testing. Allele origin: germline.
Comment: The p.S115Y variant (also known as c.344C>A), located in coding exon 3 of the TSC1 gene, results from a C to A substitution at nucleotide position 344. The serine at codon 115 is replaced by tyrosine, an amino acid with dissimilar properties. This amino acid position is conserved. In addition, this alteration is predicted to be deleterious by in silico analysis. Since supporting evidence is limited at this time, the clinical significance of this alteration remains unclear.